The following is an entry in ClinVar:

NM_003470.3(USP7):c.1482T>C (p.Ile494=)

Gene: USP7 (ubiquitin specific peptidase 7; minus strand). Cytogenetic location: 16p13.2.
Variant type: single nucleotide variant.
Coding change: c.1482T>C on transcript NM_003470.3 (MANE Select); coding-DNA position 1482, T replaced by C.
Protein change: p.Ile494=; no amino-acid change (isoleucine 494 retained).
Molecular consequence: synonymous variant. On other transcripts: non-coding transcript variant (1).
Genome position (GRCh38, 1-based): chr16:8,905,278, A>G on the plus strand (T>C on the coding strand, the complement: USP7 is on the minus strand). VCF-style: chr16-8905278-A-G. GRCh37 (hg19) VCF-style: chr16-8999135-A-G.
Other names: c.1434T>C, p.Ile478= (NM_001286457.2); c.1185T>C, p.Ile395= (NM_001286458.2); c.1308T>C, p.Ile436= (NM_001321858.2).
Identifiers: ClinVar variation 2646186 (VCV002646186.24), dbSNP rs561329931, ClinGen allele CA7895387.

ClinVar aggregate classification (germline): Likely benign (1 of 4 stars; one submission).

Allele frequency attached by ClinVar (database versions not stated): TOPMed below 0.00001; gnomAD 0.00001; gnomAD exomes 0.00001; ExAC 0.00002; 1000 Genomes Project 30x 0.00016; 1000 Genomes Project 0.00020.
gnomAD v4.1: 6 of 1,614,184 alleles (0.00037%); highest among the groups gnomAD compares: Admixed American, 0.005%; no homozygotes.

Submission:

CeGaT Center for Human Genetics Tuebingen
Classification: Likely benign. Last evaluated: 2023-04-01. Review status: criteria provided, single submitter. Criteria: CeGaT Center For Human Genetics Tuebingen Variant Classification Criteria Version 2. Collection method: clinical testing. Allele origin: germline. Affected: yes. Observed: 1 variant allele.
Comment: USP7: BP4, BP7